The following is an entry in ClinVar:

ClinVar aggregate classification (germline): Uncertain significance (1 of 4 stars; one submission).

Conditions:
Microcephaly-intellectual disability-sensorineural hearing loss-epilepsy-abnormal muscle tone syndrome (NEDHSB). Also called: NEURODEVELOPMENTAL DISORDER WITH HEARING LOSS, SEIZURES, AND BRAIN ABNORMALITIES. Identifiers: Orphanet 457351, MedGen C4225276, MONDO:0014698, OMIM 616577.

Submission:

Labcorp Genetics (formerly Invitae), Labcorp
Classification: Uncertain significance for Microcephaly-intellectual disability-sensorineural hearing loss-epilepsy-abnormal muscle tone syndrome. Last evaluated: 2022-04-10. Review status: criteria provided, single submitter. Criteria: Invitae Variant Classification Sherloc (09022015). Collection method: clinical testing. Allele origin: germline.
Comment: This sequence change replaces isoleucine, which is neutral and non-polar, with threonine, which is neutral and polar, at codon 418 of the SPATA5 protein (p.Ile418Thr). This variant is not present in population databases (gnomAD no frequency). This variant has not been reported in the literature in individuals affected with SPATA5-related conditions. Advanced modeling of protein sequence and biophysical properties (such as structural, functional, and spatial information, amino acid conservation, physicochemical variation, residue mobility, and thermodynamic stability) performed at Invitae indicates that this missense variant is expected to disrupt SPATA5 protein function. In summary, the available evidence is currently insufficient to determine the role of this variant in disease. Therefore, it has been classified as a Variant of Uncertain Significance.

NM_145207.3(AFG2A):c.1253T>C (p.Ile418Thr)

Gene: AFG2A (AAA ATPase AFG2A; plus strand). Cytogenetic location: 4q28.1.
Variant type: single nucleotide variant.
Coding change: c.1253T>C on transcript NM_145207.3 (MANE Select); coding-DNA position 1253, T replaced by C.
Protein change: p.Ile418Thr; replaces isoleucine 418 with threonine.
Molecular consequence: missense variant.
Genome position (GRCh38, 1-based): chr4:122,935,819, T>C. VCF-style: chr4-122935819-T-C. GRCh37 (hg19) VCF-style: chr4-123856974-T-C.
Other names: c.1250T>C, p.Ile417Thr (NM_001317799.2, NM_001345856.2); short protein forms I418T, I417T.
Identifiers: ClinVar variation 2101014 (VCV002101014.3), dbSNP rs2476819532, ClinGen allele CA358104158.
Genomic context (GRCh38, chr4:122,935,819, plus strand): 5'-CTGGAAAAACAATGATCGCCAGGGCTGTTGCTAATGAAGTTGGAGCCTATGTTTCTGTAA[T>C]TAATGGTCCTGAAATTATAAGCAAGTAAGTACATGATTTAATAGAGTAAACTTACTATTA-3'
Protein context (NP_660208.2, residues 408-428): ANEVGAYVSV[Ile418Thr]NGPEIISKFY